The following is an entry in ClinVar:

NM_004655.4(AXIN2):c.1531A>T (p.Thr511Ser)

Gene: AXIN2 (axin 2; minus strand). Cytogenetic location: 17q24.1.
Variant type: single nucleotide variant.
Coding change: c.1531A>T on transcript NM_004655.4 (MANE Select); coding-DNA position 1531, A replaced by T.
Protein change: p.Thr511Ser; replaces threonine 511 with serine.
Molecular consequence: missense variant.
Genome position (GRCh38, 1-based): chr17:65,537,505, T>A on the plus strand (A>T on the coding strand, the complement: AXIN2 is on the minus strand). VCF-style: chr17-65537505-T-A. GRCh37 (hg19) VCF-style: chr17-63533623-T-A.
Other names: c.1531A>T (LRG_296t1); c.1531A>T, p.Thr511Ser (NM_001363813.1); short protein forms T511S.
Identifiers: ClinVar variation 324646 (VCV000324646.25), dbSNP rs376936740, ClinGen allele CA8718621.

ClinVar aggregate classification (germline): Conflicting classifications of pathogenicity. Review status: criteria provided, conflicting classifications (1 of 4 stars). 6 submissions from 6 submitters: Uncertain significance (4); Likely benign (2). Last evaluated 2026-08-24.

Conditions:
Oligodontia-cancer predisposition syndrome. Also called: TOOTH AGENESIS-COLORECTAL CANCER SYNDROME. Identifiers: Orphanet 300576, MedGen C1837750, MONDO:0012075, OMIM 608615. Disease mechanism: loss of function.
Hereditary cancer-predisposing syndrome. Also called: Hereditary Cancer Syndrome; Neoplastic Syndromes, Hereditary; Tumor predisposition; Hereditary neoplastic syndrome. Identifiers: Orphanet 140162, MedGen C0027672, MeSH D009386, MONDO:0015356.
AXIN2-related disorder.

Allele frequency attached by ClinVar (database versions not stated): gnomAD 0.00001; TOPMed 0.00002.

Submissions (6):

PreventionGenetics, part of Exact Sciences
Classification: Uncertain significance for AXIN2-related condition. Last evaluated: 2026-08-24. Review status: criteria provided, single submitter. Criteria: ACMG Guidelines, 2015. Collection method: clinical testing. Allele origin: germline.
Comment: The AXIN2 c.1531A>T variant is predicted to result in the amino acid substitution p.Thr511Ser. To our knowledge, this variant has not been reported in the literature. This variant is reported in 0.0044% of alleles in individuals of European (Non-Finnish) descent in gnomAD. This variant has conflicting interpretations of pathogenicity in ClinVar ranging from likely benign to uncertain significance (Variation ID: 324646). Although we suspect that this variant may be benign, at this time, the clinical significance of this variant is uncertain due to the absence of conclusive functional and genetic evidence.

Labcorp Genetics (formerly Invitae), Labcorp
Classification: Uncertain significance for Oligodontia-cancer predisposition syndrome. Last evaluated: 2026-01-19. Review status: criteria provided, single submitter. Criteria: Invitae Variant Classification Sherloc (09022015). Collection method: clinical testing. Allele origin: germline.
Comment: This sequence change replaces threonine, which is neutral and polar, with serine, which is neutral and polar, at codon 511 of the AXIN2 protein (p.Thr511Ser). This variant is present in population databases (rs376936740, gnomAD 0.004%). This variant has not been reported in the literature in individuals affected with AXIN2-related conditions. ClinVar contains an entry for this variant (Variation ID: 324646). Invitae Evidence Modeling of protein sequence and biophysical properties (such as structural, functional, and spatial information, amino acid conservation, physicochemical variation, residue mobility, and thermodynamic stability) indicates that this missense variant is not expected to disrupt AXIN2 protein function with a negative predictive value of 80%. In summary, the available evidence is currently insufficient to determine the role of this variant in disease. Therefore, it has been classified as a Variant of Uncertain Significance.

Ambry Genetics
Classification: Likely benign for Hereditary cancer-predisposing syndrome. Last evaluated: 2023-03-29. Review status: criteria provided, single submitter. Criteria: Ambry Variant Classification Scheme 2023. Collection method: clinical testing. Allele origin: germline.

GeneDx
Classification: Uncertain significance. Last evaluated: 2022-04-20. Review status: criteria provided, single submitter. Criteria: GeneDx Variant Classification Process June 2021. Collection method: clinical testing. Allele origin: germline. Affected: yes.
Comment: Not observed at significant frequency in large population cohorts (gnomAD); In silico analysis supports that this missense variant does not alter protein structure/function; Has not been previously published as pathogenic or benign to our knowledge

Sema4
Classification: Uncertain significance for Hereditary cancer-predisposing syndrome. Last evaluated: 2021-11-16. Review status: criteria provided, single submitter. Criteria: Sema4 Curation Guidelines. Collection method: curation. Allele origin: germline.
Comment: The AXIN2 c.1531A>T (p.T511S) variant has not been reported in the literature to our knowledge. It was observed in 5/113626 chromosomes of the European (non-Finnish) subpopulation in the large and broad cohorts of the Genome Aggregation Database (PMID: 32461654). this variant has been reported in ClinVar (Variation ID 324646). Functional studies have not been performed, and in silico predictions of the variant's effect on protein function are inconclusive. The evidence is insufficient to meet ACMG/AMP criteria for classifying the variant as benign or pathogenic. Thus, the clinical significance of this variant is currently uncertain.

Illumina Laboratory Services, Illumina
Classification: Likely benign for Oligodontia-cancer predisposition syndrome. Last evaluated: 2018-01-12. Review status: criteria provided, single submitter. Criteria: ICSL Variant Classification Criteria 13 December 2019. Collection method: clinical testing. Allele origin: germline.
Comment: This variant was observed in the ICSL laboratory as part of a predisposition screen in an ostensibly healthy population. It had not been previously curated by ICSL or reported in the Human Gene Mutation Database (HGMD: prior to June 1st, 2018), and was therefore a candidate for classification through an automated scoring system. Utilizing variant allele frequency, disease prevalence and penetrance estimates, and inheritance mode, an automated score was calculated to assess if this variant is too frequent to cause the disease. Based on the score and internal cut-off values, a variant classified as likely benign is not then subjected to further curation. The score for this variant resulted in a classification of likely benign for this disease.